The following is an entry in ClinVar:

ClinVar aggregate classification (germline): Uncertain significance (1 of 4 stars; one submission).

Conditions:
Hyperaldosteronism, familial, type IV (HALD4). Also called: FH IV; ALDOSTERONISM, PRIMARY, AND HYPERTENSION. Identifiers: Orphanet 642671, MedGen C4310756, MONDO:0014875, OMIM 617027.
Idiopathic generalized epilepsy. Also called: EIG; Generalised epilepsy. Identifiers: MedGen C0270850, MONDO:0005579, OMIM 600669.

Allele frequency attached by ClinVar (database versions not stated): gnomAD exomes below 0.00001.
gnomAD v4.1: 1 of 1,608,624 alleles (0.000062%); highest among the groups gnomAD compares: Non-Finnish European, 0.000085%; no homozygotes.

Submission:

Labcorp Genetics (formerly Invitae), Labcorp
Classification: Uncertain significance for Idiopathic generalized epilepsy; Hyperaldosteronism, familial, type IV. Last evaluated: 2020-11-11. Review status: criteria provided, single submitter. Criteria: Invitae Variant Classification Sherloc (09022015). Collection method: clinical testing. Allele origin: germline.
Comment: This variant has not been reported in the literature in individuals with CACNA1H-related conditions. Nucleotide substitutions within the consensus splice site are a relatively common cause of aberrant splicing (PMID: 17576681, 9536098). Algorithms developed to predict the effect of sequence changes on RNA splicing suggest that this variant is not likely to affect RNA splicing, but this prediction has not been confirmed by published transcriptional studies. In summary, the available evidence is currently insufficient to determine the role of this variant in disease. Therefore, it has been classified as a Variant of Uncertain Significance. This sequence change falls in intron 27 of the CACNA1H gene. It does not directly change the encoded amino acid sequence of the CACNA1H protein. It affects a nucleotide within the consensus splice site of the intron. This variant is not present in population databases (ExAC no frequency).

Literature cited by the submitters: PubMed 17576681; PubMed 9536098.

NM_021098.3(CACNA1H):c.4929+4G>A

Gene: CACNA1H (calcium voltage-gated channel subunit alpha1 H; plus strand). Cytogenetic location: 16p13.3.
Variant type: single nucleotide variant.
Coding change: c.4929+4G>A on transcript NM_021098.3 (MANE Select); 4 bases into the intron after coding-DNA position 4929, G replaced by A.
Molecular consequence: intron variant.
Genome position (GRCh38, 1-based): chr16:1,213,935, G>A. VCF-style: chr16-1213935-G-A. GRCh37 (hg19) VCF-style: chr16-1263935-G-A.
Other names: c.4911+4G>A (NM_001005407.2).
Identifiers: ClinVar variation 1479945 (VCV001479945.6), dbSNP rs1969758497, ClinGen allele CA2201524611.
Genomic context (GRCh38, chr16:1,213,935, plus strand): 5'-TTCATCATCTGTGTCAACGTCATCACCATGTCCATGGAGCACTATAACCAACCCAAGGTG[G>A]GTGCGAGGGGGCCGCGAGGGGCCCAGGGGCTGGGGCACCCCCAGTGGGGCAGCCAACACA-3'